The following is an entry in ClinVar:

NM_001015877.2(PHF6):c.385C>T (p.Arg129Ter)

Gene: PHF6 (PHD finger protein 6; plus strand). Cytogenetic location: Xq26.2.
Variant type: single nucleotide variant.
Coding change: c.385C>T on transcript NM_001015877.2 (MANE Select); coding-DNA position 385, C replaced by T.
Protein change: p.Arg129Ter; replaces arginine 129 with a stop codon.
Molecular consequence: nonsense.
Genome position (GRCh38, 1-based): chrX:134,393,919, C>T. VCF-style: chrX-134393919-C-T. GRCh37 (hg19) VCF-style: chrX-133527949-C-T.
Other names: c.385C>T, p.Arg129Ter (NM_032335.3, NM_032458.3); short protein forms R129*.
Identifiers: ClinVar variation 2902140 (VCV002902140.3), dbSNP rs2520543380, ClinGen allele CA414711860.

ClinVar aggregate classification (germline): Pathogenic (1 of 4 stars; one submission).

Conditions:
Borjeson-Forssman-Lehmann syndrome (BFLS). Also called: MENTAL RETARDATION, X-LINKED, SYNDROMIC, BORJESON-FORSSMAN-LEHMANN TYPE; MENTAL RETARDATION, EPILEPSY, AND ENDOCRINE DISORDERS; BORJESON SYNDROME. Identifiers: Orphanet 127, MedGen C0265339, MONDO:0010537, OMIM 301900.

Submission:

Labcorp Genetics (formerly Invitae), Labcorp
Classification: Pathogenic for Borjeson-Forssman-Lehmann syndrome. Last evaluated: 2024-10-17. Review status: criteria provided, single submitter. Criteria: Invitae Variant Classification Sherloc (09022015). Collection method: clinical testing. Allele origin: germline.
Comment: This sequence change creates a premature translational stop signal (p.Arg129*) in the PHF6 gene. It is expected to result in an absent or disrupted protein product. Loss-of-function variants in PHF6 are known to be pathogenic (PMID: 12415272, 24092917, 25099957, 26648834). This variant is not present in population databases (gnomAD no frequency). This variant has not been reported in the literature in individuals affected with PHF6-related conditions. For these reasons, this variant has been classified as Pathogenic.

Literature cited by the submitters: PubMed 12415272; PubMed 24092917; PubMed 25099957; PubMed 26648834.